The following is an entry in ClinVar:

NM_022437.3(ABCG8):c.1249C>G (p.Leu417Val)

Gene: ABCG8 (ATP binding cassette subfamily G member 8; plus strand). Cytogenetic location: 2p21.
Variant type: single nucleotide variant.
Coding change: c.1249C>G on transcript NM_022437.3 (MANE Select); coding-DNA position 1249, C replaced by G.
Protein change: p.Leu417Val; replaces leucine 417 with valine.
Molecular consequence: missense variant.
Genome position (GRCh38, 1-based): chr2:43,873,824, C>G. VCF-style: chr2-43873824-C-G. GRCh37 (hg19) VCF-style: chr2-44100963-C-G.
Other names: c.1246C>G, p.Leu416Val (NM_001357321.2); short protein forms L416V, L417V.
Identifiers: ClinVar variation 4751367 (VCV004751367.1).

ClinVar aggregate classification (germline): Uncertain significance (1 of 4 stars; one submission).

gnomAD v4.1: 15 of 1,614,068 alleles (0.00093%); highest among the groups gnomAD compares: South Asian, 0.016%; no homozygotes.

Submission:

Labcorp Genetics (formerly Invitae), Labcorp
Classification: Uncertain significance. Last evaluated: 2025-11-27. Review status: criteria provided, single submitter. Criteria: Invitae Variant Classification Sherloc (09022015). Collection method: clinical testing. Allele origin: germline.
Comment: This sequence change replaces leucine, which is neutral and non-polar, with valine, which is neutral and non-polar, at codon 417 of the ABCG8 protein (p.Leu417Val). This variant is present in population databases (rs749677968, gnomAD 0.01%). This variant has not been reported in the literature in individuals affected with ABCG8-related conditions. Invitae Evidence Modeling of protein sequence and biophysical properties (such as structural, functional, and spatial information, amino acid conservation, physicochemical variation, residue mobility, and thermodynamic stability) indicates that this missense variant is not expected to disrupt ABCG8 protein function with a negative predictive value of 80%. In summary, the available evidence is currently insufficient to determine the role of this variant in disease. Therefore, it has been classified as a Variant of Uncertain Significance.